The following is an entry in ClinVar:

ClinVar aggregate classification (germline): Uncertain significance (1 of 4 stars; one submission).

Submission:

Labcorp Genetics (formerly Invitae), Labcorp
Classification: Uncertain significance. Last evaluated: 2024-03-27. Review status: criteria provided, single submitter. Criteria: Invitae Variant Classification Sherloc (09022015). Collection method: clinical testing. Allele origin: germline.
Comment: This variant, c.943_945del, results in the deletion of 1 amino acid(s) of the CENPJ protein (p.Asp315del), but otherwise preserves the integrity of the reading frame. This variant is present in population databases (rs759204348, gnomAD 0.02%). This variant has not been reported in the literature in individuals affected with CENPJ-related conditions. Experimental studies and prediction algorithms are not available or were not evaluated, and the functional significance of this variant is currently unknown. In summary, the available evidence is currently insufficient to determine the role of this variant in disease. Therefore, it has been classified as a Variant of Uncertain Significance.

NM_018451.5(CPAP):c.940GAT[1] (p.Asp315del)

Gene: CPAP (centrosome assembly and centriole elongation protein; minus strand). Cytogenetic location: 13q12.13.
Variant type: Microsatellite.
Coding change: c.940GAT[1] on transcript NM_018451.5 (MANE Select); one copy of the 3-base unit GAT starting at c.940; the reference has two copies in a row; one copy, 3 bases deleted.
Protein change: p.Asp315del; deletes aspartic acid 315.
Molecular consequence: inframe deletion. On other transcripts: non-coding transcript variant (2).
Genome position (GRCh38, 1-based): chr13:24,908,047-24,908,049, ATC deleted on the plus strand (GAT on the coding strand, the reverse complement: CPAP is on the minus strand); deleting any 3 consecutive bases within chr13:24,908,047-24,908,054 gives the same sequence; the position shown is the placement nearest the transcript's 3' end. VCF-style (leftmost placement, unchanged base first): chr13-24908046-AATC-A. GRCh37 (hg19) VCF-style: chr13-25482184-AATC-A.
Other names: short protein forms D315del.
Identifiers: ClinVar variation 1520341 (VCV001520341.5), dbSNP rs759204348, ClinGen allele CA6919875.
Genomic context (GRCh38, chr13:24,908,046, plus strand): 5'-GTCACATTTCTCACTTTCAACACGAACAATACCTTTCTTCAATATTAGCCACTTCTGAGG[AATC>A]ATCATGTTTTTGTAAGTTCTTATCATTTGCTTCCTGAATCTGTTCTGTCACTTTCTCCCA-3'